The following is an entry in ClinVar:

NM_004055.5(CAPN5):c.500A>G (p.Tyr167Cys)

Gene: CAPN5 (calpain 5; plus strand). Cytogenetic location: 11q13.5.
Variant type: single nucleotide variant.
Coding change: c.500A>G on transcript NM_004055.5 (MANE Select); coding-DNA position 500, A replaced by G.
Protein change: p.Tyr167Cys; replaces tyrosine 167 with cysteine.
Molecular consequence: missense variant.
Genome position (GRCh38, 1-based): chr11:77,112,791, A>G. VCF-style: chr11-77112791-A-G. GRCh37 (hg19) VCF-style: chr11-76823837-A-G.
Other names: c.500A>G, p.Tyr167Cys (NM_001425322.1); c.368A>G, p.Tyr123Cys (NM_001425323.1); c.620A>G, p.Tyr207Cys (NM_001425321.1); short protein forms Y123C, Y167C, Y207C.
Identifiers: ClinVar variation 2782873 (VCV002782873.3), dbSNP rs782574101, ClinGen allele CA6196443.

ClinVar aggregate classification (germline): Uncertain significance (1 of 4 stars; one submission).

Allele frequency attached by ClinVar (database versions not stated): gnomAD exomes 0.00001; ExAC 0.00002.
gnomAD v4.1: 10 of 1,614,154 alleles (0.00062%); highest among the groups gnomAD compares: South Asian, 0.0099%; no homozygotes.

Submission:

Labcorp Genetics (formerly Invitae), Labcorp
Classification: Uncertain significance. Last evaluated: 2023-04-22. Review status: criteria provided, single submitter. Criteria: Invitae Variant Classification Sherloc (09022015). Collection method: clinical testing. Allele origin: germline.
Comment: This sequence change replaces tyrosine, which is neutral and polar, with cysteine, which is neutral and slightly polar, at codon 167 of the CAPN5 protein (p.Tyr167Cys). This variant is present in population databases (rs782574101, gnomAD 0.01%). This variant has not been reported in the literature in individuals affected with CAPN5-related conditions. Advanced modeling of protein sequence and biophysical properties (such as structural, functional, and spatial information, amino acid conservation, physicochemical variation, residue mobility, and thermodynamic stability) performed at Invitae indicates that this missense variant is expected to disrupt CAPN5 protein function. In summary, the available evidence is currently insufficient to determine the role of this variant in disease. Therefore, it has been classified as a Variant of Uncertain Significance.